The following is an entry in ClinVar:

ClinVar aggregate classification (germline): Uncertain significance (1 of 4 stars; one submission).

Conditions:
Chondrodysplasia punctata, brachytelephalangic, autosomal. Also called: BRACHYTELEPHALANGIC CHONDRODYSPLASIA PUNCTATA. Identifiers: MedGen C1844853, MONDO:0011238, OMIM 602497.

Submission:

Labcorp Genetics (formerly Invitae), Labcorp
Classification: Uncertain significance for Chondrodysplasia punctata, brachytelephalangic, autosomal. Last evaluated: 2022-08-29. Review status: criteria provided, single submitter. Criteria: Invitae Variant Classification Sherloc (09022015). Collection method: clinical testing. Allele origin: germline.
Comment: This variant has not been reported in the literature in individuals affected with ARSE-related conditions. This variant is not present in population databases (gnomAD no frequency). This sequence change replaces asparagine, which is neutral and polar, with serine, which is neutral and polar, at codon 59 of the ARSE protein (p.Asn59Ser). Algorithms developed to predict the effect of missense changes on protein structure and function (SIFT, PolyPhen-2, Align-GVGD) all suggest that this variant is likely to be tolerated. In summary, the available evidence is currently insufficient to determine the role of this variant in disease. Therefore, it has been classified as a Variant of Uncertain Significance.

NM_000047.3(ARSL):c.176A>G (p.Asn59Ser)

Gene: ARSL (arylsulfatase L; minus strand). Cytogenetic location: Xp22.33.
Variant type: single nucleotide variant.
Coding change: c.176A>G on transcript NM_000047.3 (MANE Select); coding-DNA position 176, A replaced by G.
Protein change: p.Asn59Ser; replaces asparagine 59 with serine.
Molecular consequence: missense variant. On other transcripts: intron variant (1).
Genome position (GRCh38, 1-based): chrX:2,958,283, T>C on the plus strand (A>G on the coding strand, the complement: ARSL is on the minus strand). VCF-style: chrX-2958283-T-C. GRCh37 (hg19) VCF-style: chrX-2876324-T-C.
Other names: c.251A>G, p.Asn84Ser (NM_001282628.2, NM_001369080.1); c.203A>G, p.Asn68Ser (NM_001369079.1); c.23+2095A>G (NM_001282631.2); short protein forms N84S, N68S, N59S.
Identifiers: ClinVar variation 2005399 (VCV002005399.4), dbSNP rs2518384840, ClinGen allele CA412268113.